The following is an entry in ClinVar:

ClinVar aggregate classification (germline): Uncertain significance (1 of 4 stars; one submission).

Conditions:
Dilated cardiomyopathy 1G (CMD1G). Identifiers: Orphanet 154, MedGen C1858763, MONDO:0011400, OMIM 604145.
Autosomal recessive limb-girdle muscular dystrophy type 2J (LGMDR10). Also called: Limb-girdle muscular dystrophy, type 2J; MUSCULAR DYSTROPHY, LIMB-GIRDLE, AUTOSOMAL RECESSIVE 10. Identifiers: Orphanet 140922, MedGen C1837342, MONDO:0012127, OMIM 608807.

Submission:

Labcorp Genetics (formerly Invitae), Labcorp
Classification: Uncertain significance for Dilated cardiomyopathy 1G; Autosomal recessive limb-girdle muscular dystrophy type 2J. Last evaluated: 2023-05-02. Review status: criteria provided, single submitter. Criteria: Invitae Variant Classification Sherloc (09022015). Collection method: clinical testing. Allele origin: germline.
Comment: This sequence change replaces histidine, which is basic and polar, with proline, which is neutral and non-polar, at codon 34090 of the TTN protein (p.His34090Pro). This variant is not present in population databases (gnomAD no frequency). This variant has not been reported in the literature in individuals affected with TTN-related conditions. Experimental studies and prediction algorithms are not available or were not evaluated, and the functional significance of this variant is currently unknown. This variant is located in the M band of TTN (PMID: 25589632). Variants in this region may be relevant for neuromuscular disorders, but have not been definitively shown to cause cardiomyopathy (PMID: 23975875). In summary, the available evidence is currently insufficient to determine the role of this variant in disease. Therefore, it has been classified as a Variant of Uncertain Significance.

Literature cited by the submitters: PubMed 25589632; PubMed 23975875.

NM_001267550.2(TTN):c.102269A>C (p.His34090Pro)

Genes: TTN-AS1 (TTN antisense RNA 1; plus strand), TTN (titin; minus strand). Cytogenetic location: 2q31.2.
Variant type: single nucleotide variant.
Coding change: c.102269A>C on transcript NM_001267550.2 (MANE Select); coding-DNA position 102269, A replaced by C.
Protein change: p.His34090Pro; replaces histidine 34090 with proline.
Molecular consequence: missense variant.
Genome position (GRCh38, 1-based): chr2:178,534,346, T>G on the plus strand (A>C on the coding strand, the complement: TTN is on the minus strand). VCF-style: chr2-178534346-T-G. GRCh37 (hg19) VCF-style: chr2-179399073-T-G.
Other names: c.97346A>C, p.His32449Pro (NM_001256850.1); c.75074A>C, p.His25025Pro (NM_003319.4); c.94565A>C, p.His31522Pro (NM_133378.4); c.75449A>C, p.His25150Pro (NM_133432.3); c.75650A>C, p.His25217Pro (NM_133437.4); short protein forms H25025P, H25217P, H31522P, H34090P, H25150P, H32449P.
Identifiers: ClinVar variation 2945499 (VCV002945499.3), dbSNP rs2468531535, ClinGen allele CA349417990.
Genomic context (GRCh38, chr2:178,534,346, plus strand): 5'-CGGGCTGCTGACACAACCATGTTGAGGTCTTTCTTGATCAGGGTGTGGTAATAACGCCGG[T>G]GTTTTAATGTTCTGATAACTTTAGTACTGACTCTTTCTATCTTCTGCTTCAACCATGGGT-3'
Protein context (NP_001254479.2, residues 34080-34100): VSTKVIRTLK[His34090Pro]RRYYHTLIKK